The following is an entry in ClinVar:

ClinVar aggregate classification (germline): Uncertain significance (1 of 4 stars; one submission).

Conditions:
Tuberous sclerosis 2 (TSC2). Identifiers: Orphanet 805, MedGen C1860707, MONDO:0013199, OMIM 613254.

Submission:

Labcorp Genetics (formerly Invitae), Labcorp
Classification: Uncertain significance for Tuberous sclerosis 2. Last evaluated: 2021-07-08. Review status: criteria provided, single submitter. Criteria: Invitae Variant Classification Sherloc (09022015). Collection method: clinical testing. Allele origin: germline.
Comment: This variant, c.4205_4237del, results in the deletion of 11 amino acid(s) of the TSC2 protein (p.Gly1402_Pro1412del), but otherwise preserves the integrity of the reading frame. This variant is not present in population databases (ExAC no frequency). This variant has not been reported in the literature in individuals affected with TSC2-related conditions. Experimental studies and prediction algorithms are not available or were not evaluated, and the functional significance of this variant is currently unknown. In summary, the available evidence is currently insufficient to determine the role of this variant in disease. Therefore, it has been classified as a Variant of Uncertain Significance.

NM_000548.5(TSC2):c.4205_4237del (p.Gly1402_Pro1412del)

Gene: TSC2 (TSC complex subunit 2; plus strand). Cytogenetic location: 16p13.3.
Variant type: Deletion.
Coding change: c.4205_4237del on transcript NM_000548.5 (MANE Select); coding-DNA positions 4205 to 4237, 33 bases deleted.
Protein change: p.Gly1402_Pro1412del.
Molecular consequence: inframe deletion.
Genome position (GRCh38, 1-based): chr16:2,084,427-2,084,459, 33 bases deleted; deleting any 33 consecutive bases within chr16:2,084,422-2,084,459 gives the same sequence; the c. name uses the placement nearest the transcript's 3' end. GRCh37 (hg19): chr16:2,134,428-2,134,460.
Other names: c.4004_4036del, p.Gly1335_Pro1345del (NM_001077183.3); c.4136_4168del, p.Gly1379_Pro1389del (NM_001114382.3); c.3896_3928del, p.Gly1299_Pro1309del (NM_001318827.2); c.3860_3892del, p.Gly1287_Pro1297del (NM_001318829.2); c.3473_3505del, p.Gly1158_Pro1168del (NM_001318831.2); c.4037_4069del, p.Gly1346_Pro1356del (NM_001318832.2); c.4007_4039del, p.Gly1336_Pro1346del (NM_001363528.2); c.4073_4105del, p.Gly1358_Pro1368del (NM_001370404.1); and 1 more.
Identifiers: ClinVar variation 1366314 (VCV001366314.8), dbSNP rs2151527185, ClinGen allele CA2573151623.
Genomic context (GRCh38, chr16:2,084,421, plus strand): 5'-AGCCCCTGAGCAAGTCCAGCTCCTCTCCCGAGCTGCAGACTCTGCAGGACATCCTCGGGG[ACCCTGGGGACAAGGCCGACGTGGGCCGGCTGAG>A]CCCTGAGGTTAAGGCCCGGTCACAGTCAGGGACCCTGGACGGGGAAAGTGCTGCCTGGTC-3'